The following is an entry in ClinVar:

NM_001384474.1(LOXHD1):c.2437+1G>C

Gene: LOXHD1 (lipoxygenase homology PLAT domains 1; minus strand). Cytogenetic location: 18q21.1.
Variant type: single nucleotide variant.
Coding change: c.2437+1G>C on transcript NM_001384474.1 (MANE Select); the canonical splice donor site of the intron after coding-DNA position 2437, G replaced by C.
Molecular consequence: splice donor variant.
Genome position (GRCh38, 1-based): chr18:46,566,256, C>G on the plus strand (G>C on the coding strand, the complement: LOXHD1 is on the minus strand). VCF-style: chr18-46566256-C-G. GRCh37 (hg19) VCF-style: chr18-44146219-C-G.
Other names: c.2437+1G>C (NM_144612.7).
Identifiers: ClinVar variation 2766492 (VCV002766492.3), dbSNP rs1474677081, ClinGen allele CA402373597.

ClinVar aggregate classification (germline): Likely pathogenic (1 of 4 stars; one submission).

Submission:

Labcorp Genetics (formerly Invitae), Labcorp
Classification: Likely pathogenic. Last evaluated: 2023-10-06. Review status: criteria provided, single submitter. Criteria: Invitae Variant Classification Sherloc (09022015). Collection method: clinical testing. Allele origin: germline.
Comment: This sequence change affects a donor splice site in intron 17 of the LOXHD1 gene. It is expected to disrupt RNA splicing. Variants that disrupt the donor or acceptor splice site typically lead to a loss of protein function (PMID: 16199547), and loss-of-function variants in LOXHD1 are known to be pathogenic (PMID: 19732867, 21465660, 25792669). This variant is not present in population databases (gnomAD no frequency). This variant has not been reported in the literature in individuals affected with LOXHD1-related conditions. Algorithms developed to predict the effect of sequence changes on RNA splicing suggest that this variant may disrupt the consensus splice site. In summary, the currently available evidence indicates that the variant is pathogenic, but additional data are needed to prove that conclusively. Therefore, this variant has been classified as Likely Pathogenic.

Literature cited by the submitters: PubMed 16199547; PubMed 19732867; PubMed 21465660; PubMed 25792669.